The following is an entry in ClinVar:

NM_000199.5(SGSH):c.664-19T>C

Gene: SGSH (N-sulfoglucosamine sulfohydrolase; minus strand). Cytogenetic location: 17q25.3.
Variant type: single nucleotide variant.
Coding change: c.664-19T>C on transcript NM_000199.5 (MANE Select); 19 bases into the intron before coding-DNA position 664, T replaced by C.
Molecular consequence: intron variant.
Genome position (GRCh38, 1-based): chr17:80,213,904, A>G on the plus strand (T>C on the coding strand, the complement: SGSH is on the minus strand). VCF-style: chr17-80213904-A-G. GRCh37 (hg19) VCF-style: chr17-78187703-A-G.
Other names: p.?; c.664-19T>C (NM_001352921.3, NM_001352922.2).
Identifiers: ClinVar variation 2780705 (VCV002780705.4), dbSNP rs1389297197, ClinGen allele CA628019034.

ClinVar aggregate classification (germline): Likely benign. Review status: criteria provided, multiple submitters, no conflicts (2 of 4 stars). 2 submissions from 2 submitters: Likely benign (2). Last evaluated 2025-06-17.

Conditions:
Mucopolysaccharidosis, MPS-III-A (MPS3A). Also called: Mucopolysaccharidosis type IIIA (Sanfilippo A); Mucopolysaccharidosis, type IIIA; mucopolysaccharidosis type 3A; MPS IIIA (Sanfilippo Syndrome Type A); HEPARAN SULFATE SULFATASE DEFICIENCY; SANFILIPPO SYNDROME A. Identifiers: Orphanet 581, Orphanet 79269, MedGen C0086647, MONDO:0009655, OMIM 252900.

Allele frequency attached by ClinVar (database versions not stated): gnomAD exomes 0.00001; gnomAD 0.00001.
gnomAD v4.1: 4 of 1,590,992 alleles (0.00025%); highest among the groups gnomAD compares: Non-Finnish European, 0.00034%; no homozygotes.

Submissions (2):

Labcorp Genetics (formerly Invitae), Labcorp
Classification: Likely benign for Mucopolysaccharidosis, MPS-III-A. Last evaluated: 2025-06-17. Review status: criteria provided, single submitter. Criteria: Invitae Variant Classification Sherloc (09022015). Collection method: clinical testing. Allele origin: germline.

Mayo Clinic Laboratories, Mayo Clinic
Classification: Likely benign. Last evaluated: 2025-03-18. Review status: criteria provided, single submitter. Criteria: ACMG Guidelines, 2015. Collection method: clinical testing. Allele origin: germline. Observed: 1 variant allele.
Comment: BP7, PM2_supporting